The following is an entry in ClinVar:

ClinVar aggregate classification (germline): Uncertain significance (1 of 4 stars; one submission).

Conditions:
Developmental and epileptic encephalopathy, 53. Also called: Epileptic encephalopathy, early infantile, 53. Identifiers: MedGen C4479313, MONDO:0033362, OMIM 617389.
Early-onset Parkinson disease 20. Also called: PARKINSON DISEASE 20, AUTOSOMAL RECESSIVE EARLY-ONSET. Identifiers: Orphanet 391411, MedGen C3809824, MONDO:0014233, OMIM 615530.

Allele frequency attached by ClinVar (database versions not stated): gnomAD 0.00005 and 0.00006; gnomAD exomes 0.00005 and 0.00010; TOPMed 0.00006; ExAC 0.00007.
gnomAD v4.1: 84 of 1,613,574 alleles (0.0052%); highest among the groups gnomAD compares: Admixed American, 0.0033%; no homozygotes.

Submission:

Labcorp Genetics (formerly Invitae), Labcorp
Classification: Uncertain significance for Developmental and epileptic encephalopathy, 53; Early-onset Parkinson disease 20. Last evaluated: 2024-10-29. Review status: criteria provided, single submitter. Criteria: Invitae Variant Classification Sherloc (09022015). Collection method: clinical testing. Allele origin: germline.
Comment: This sequence change replaces serine, which is neutral and polar, with proline, which is neutral and non-polar, at codon 1270 of the SYNJ1 protein (p.Ser1270Pro). This variant is present in population databases (rs767695759, gnomAD 0.2%). This variant has not been reported in the literature in individuals affected with SYNJ1-related conditions. ClinVar contains an entry for this variant (Variation ID: 478349). Invitae Evidence Modeling of protein sequence and biophysical properties (such as structural, functional, and spatial information, amino acid conservation, physicochemical variation, residue mobility, and thermodynamic stability) indicates that this missense variant is not expected to disrupt SYNJ1 protein function with a negative predictive value of 80%. In summary, the available evidence is currently insufficient to determine the role of this variant in disease. Therefore, it has been classified as a Variant of Uncertain Significance.

NM_203446.3(SYNJ1):c.3691T>C (p.Ser1231Pro)

Gene: SYNJ1 (synaptojanin 1; minus strand). Cytogenetic location: 21q22.11.
Variant type: single nucleotide variant.
Coding change: c.3691T>C on transcript NM_203446.3 (MANE Select); coding-DNA position 3691, T replaced by C.
Protein change: p.Ser1231Pro; replaces serine 1231 with proline.
Molecular consequence: missense variant.
Genome position (GRCh38, 1-based): chr21:32,639,677, A>G on the plus strand (T>C on the coding strand, the complement: SYNJ1 is on the minus strand). VCF-style: chr21-32639677-A-G. GRCh37 (hg19) VCF-style: chr21-34011987-A-G.
Other names: c.3643T>C, p.Ser1215Pro (NM_001160302.2); c.3550T>C, p.Ser1184Pro (NM_001160306.2); c.3808T>C, p.Ser1270Pro (NM_003895.4); short protein forms S1270P, S1184P, S1215P, S1231P.
Identifiers: ClinVar variation 478349 (VCV000478349.9), dbSNP rs767695759, ClinGen allele CA10003293.